The following is an entry in ClinVar:

ClinVar aggregate classification (germline): Uncertain significance (1 of 4 stars; one submission).

Submission:

Labcorp Genetics (formerly Invitae), Labcorp
Classification: Uncertain significance. Last evaluated: 2024-06-15. Review status: criteria provided, single submitter. Criteria: Invitae Variant Classification Sherloc (09022015). Collection method: clinical testing. Allele origin: germline.
Comment: This sequence change replaces methionine, which is neutral and non-polar, with isoleucine, which is neutral and non-polar, at codon 1091 of the CYFIP2 protein (p.Met1091Ile). This variant is not present in population databases (gnomAD no frequency). This variant has not been reported in the literature in individuals affected with CYFIP2-related conditions. Experimental studies and prediction algorithms are not available or were not evaluated, and the functional significance of this variant is currently unknown. In summary, the available evidence is currently insufficient to determine the role of this variant in disease. Therefore, it has been classified as a Variant of Uncertain Significance.

NM_001037333.3(CYFIP2):c.3273G>A (p.Met1091Ile)

Genes: CYFIP2 (cytoplasmic FMR1 interacting protein 2; plus strand), NIPAL4-DT (NIPAL4 divergent transcript; minus strand). Cytogenetic location: 5q33.3.
Variant type: single nucleotide variant.
Coding change: c.3273G>A on transcript NM_001037333.3 (MANE Select); coding-DNA position 3273, G replaced by A.
Protein change: p.Met1091Ile; replaces methionine 1091 with isoleucine.
Molecular consequence: missense variant.
Genome position (GRCh38, 1-based): chr5:157,389,254, G>A. VCF-style: chr5-157389254-G-A. GRCh37 (hg19) VCF-style: chr5-156816262-G-A.
Other names: c.3348G>A, p.Met1116Ile (NM_001291722.2); c.3273G>A, p.Met1091Ile (NM_014376.4); c.3195G>A, p.Met1065Ile (NM_001291721.2); short protein forms M1065I, M1116I, M1091I.
Identifiers: ClinVar variation 3656697 (VCV003656697.2).
Genomic context (GRCh38, chr5:157,389,254, plus strand): 5'-CGCCATTGCTCGCGAGGGTGACCTCCTGACCAAGGAGCGGCTGTGCTGTGGCCTGTCCAT[G>A]TTCGAGGTCATCCTGACCCGCATTCGGAGCTACCTGCAGGACCCCATCTGGCGGGGCCCA-3'
Protein context (NP_001032410.1, residues 1081-1101): TKERLCCGLS[Met1091Ile]FEVILTRIRS